The following is an entry in ClinVar:

ClinVar aggregate classification (germline): Uncertain significance (1 of 4 stars; one submission).

Conditions:
Legius syndrome. Identifiers: Orphanet 137605, MedGen C1969623, MONDO:0012669, OMIM 611431. Disease mechanism: loss of function.

Submission:

Labcorp Genetics (formerly Invitae), Labcorp
Classification: Uncertain significance for Legius syndrome. Last evaluated: 2023-06-17. Review status: criteria provided, single submitter. Criteria: Invitae Variant Classification Sherloc (09022015). Collection method: clinical testing. Allele origin: germline.
Comment: Advanced modeling of protein sequence and biophysical properties (such as structural, functional, and spatial information, amino acid conservation, physicochemical variation, residue mobility, and thermodynamic stability) performed at Invitae indicates that this missense variant is not expected to disrupt SPRED1 protein function. In summary, the available evidence is currently insufficient to determine the role of this variant in disease. Therefore, it has been classified as a Variant of Uncertain Significance. This variant has not been reported in the literature in individuals affected with SPRED1-related conditions. This variant is not present in population databases (gnomAD no frequency). This sequence change replaces glycine, which is neutral and non-polar, with cysteine, which is neutral and slightly polar, at codon 54 of the SPRED1 protein (p.Gly54Cys).

NM_152594.3(SPRED1):c.160G>T (p.Gly54Cys)

Gene: SPRED1 (sprouty related EVH1 domain containing 1; plus strand). Cytogenetic location: 15q14.
Variant type: single nucleotide variant.
Coding change: c.160G>T on transcript NM_152594.3 (MANE Select); coding-DNA position 160, G replaced by T.
Protein change: p.Gly54Cys; replaces glycine 54 with cysteine.
Molecular consequence: missense variant.
Genome position (GRCh38, 1-based): chr15:38,299,500, G>T. VCF-style: chr15-38299500-G-T. GRCh37 (hg19) VCF-style: chr15-38591701-G-T.
Other names: short protein forms G54C.
Identifiers: ClinVar variation 2718314 (VCV002718314.3), dbSNP rs2542661130, ClinGen allele CA391934371.